The following is an entry in ClinVar:

ClinVar aggregate classification (germline): Conflicting classifications of pathogenicity. Review status: criteria provided, conflicting classifications (1 of 4 stars). 2 submissions from 2 submitters: Uncertain significance (1); Likely benign (1). Last evaluated 2025-11-03.

Conditions:
Inborn genetic diseases. Identifiers: MedGen C0950123, MeSH D030342.

Allele frequency attached by ClinVar (database versions not stated): ESP Exome Variant Server 0.00008.
gnomAD v4.1: 28 of 1,614,056 alleles (0.0017%); highest among the groups gnomAD compares: East Asian, 0.0089%; no homozygotes.

Submissions (2):

Labcorp Genetics (formerly Invitae), Labcorp
Classification: Uncertain significance. Last evaluated: 2025-11-03. Review status: criteria provided, single submitter. Criteria: Invitae Variant Classification Sherloc (09022015). Collection method: clinical testing. Allele origin: germline.
Comment: This sequence change replaces glycine, which is neutral and non-polar, with serine, which is neutral and polar, at codon 195 of the PDZD7 protein (p.Gly195Ser). This variant is present in population databases (rs146641918, gnomAD 0.01%). This variant has not been reported in the literature in individuals affected with PDZD7-related conditions. ClinVar contains an entry for this variant (Variation ID: 1911818). Invitae Evidence Modeling of protein sequence and biophysical properties (such as structural, functional, and spatial information, amino acid conservation, physicochemical variation, residue mobility, and thermodynamic stability) indicates that this missense variant is not expected to disrupt PDZD7 protein function with a negative predictive value of 80%. In summary, the available evidence is currently insufficient to determine the role of this variant in disease. Therefore, it has been classified as a Variant of Uncertain Significance.

Ambry Genetics
Classification: Likely benign for Inborn genetic diseases. Last evaluated: 2025-09-01. Review status: criteria provided, single submitter. Criteria: Ambry Variant Classification Scheme 2023. Collection method: clinical testing. Allele origin: germline.

NM_001195263.2(PDZD7):c.583G>A (p.Gly195Ser)

Gene: PDZD7 (PDZ domain containing 7; minus strand). Cytogenetic location: 10q24.31.
Variant type: single nucleotide variant.
Coding change: c.583G>A on transcript NM_001195263.2 (MANE Select); coding-DNA position 583, G replaced by A.
Protein change: p.Gly195Ser; replaces glycine 195 with serine.
Molecular consequence: missense variant.
Genome position (GRCh38, 1-based): chr10:101,022,345, C>T on the plus strand (G>A on the coding strand, the complement: PDZD7 is on the minus strand). VCF-style: chr10-101022345-C-T. GRCh37 (hg19) VCF-style: chr10-102782102-C-T.
Other names: c.583G>A, p.Gly195Ser (NM_001351044.2, NM_024895.5); c.583G>A (NM_001195263.1); short protein forms G195S.
Identifiers: ClinVar variation 1911818 (VCV001911818.4), dbSNP rs146641918, ClinGen allele CA5654326.